The following is an entry in ClinVar:

ClinVar aggregate classification (germline): Uncertain significance. Review status: criteria provided, multiple submitters, no conflicts (2 of 4 stars). 2 submissions from 2 submitters: Uncertain significance (2). Last evaluated 2025-10-13.

Conditions:
Colorectal cancer, hereditary nonpolyposis, type 7. Identifiers: Orphanet 144, MedGen C1858380, MONDO:0013725, OMIM 614385.

Allele frequency attached by ClinVar (database versions not stated): gnomAD exomes below 0.00001; gnomAD 0.00001; TOPMed 0.00003.
gnomAD v4.1: 7 of 1,613,662 alleles (0.00043%); highest among the groups gnomAD compares: Non-Finnish European, 0.00059%; no homozygotes.

Submissions (2):

Ambry Genetics
Classification: Uncertain significance. Last evaluated: 2025-10-13. Review status: criteria provided, single submitter. Criteria: Ambry Variant Classification Scheme 2023. Collection method: clinical testing. Allele origin: germline.
Comment: The p.S1205R variant (also known as c.3615C>G), located in coding exon 5 of the MLH3 gene, results from a C to G substitution at nucleotide position 3615. The serine at codon 1205 is replaced by arginine, an amino acid with dissimilar properties. This amino acid position is not well conserved in available vertebrate species. In addition, the in silico prediction for this alteration is inconclusive. Since supporting evidence is limited at this time, the clinical significance of this alteration remains unclear.

Labcorp Genetics (formerly Invitae), Labcorp
Classification: Uncertain significance for Colorectal cancer, hereditary nonpolyposis, type 7. Last evaluated: 2025-01-22. Review status: criteria provided, single submitter. Criteria: Invitae Variant Classification Sherloc (09022015). Collection method: clinical testing. Allele origin: germline.
Comment: This sequence change replaces serine, which is neutral and polar, with arginine, which is basic and polar, at codon 1205 of the MLH3 protein (p.Ser1205Arg). This variant is not present in population databases (gnomAD no frequency). This variant has not been reported in the literature in individuals affected with MLH3-related conditions. ClinVar contains an entry for this variant (Variation ID: 651659). An algorithm developed to predict the effect of missense changes on protein structure and function (PolyPhen-2) suggests that this variant is likely to be disruptive. In summary, the available evidence is currently insufficient to determine the role of this variant in disease. Therefore, it has been classified as a Variant of Uncertain Significance.

NM_001040108.2(MLH3):c.3615C>G (p.Ser1205Arg)

Gene: MLH3 (mutL homolog 3; minus strand). Cytogenetic location: 14q24.3.
Variant type: single nucleotide variant.
Coding change: c.3615C>G on transcript NM_001040108.2 (MANE Select); coding-DNA position 3615, C replaced by G.
Protein change: p.Ser1205Arg; replaces serine 1205 with arginine.
Molecular consequence: missense variant.
Genome position (GRCh38, 1-based): chr14:75,038,368, G>C on the plus strand (C>G on the coding strand, the complement: MLH3 is on the minus strand). VCF-style: chr14-75038368-G-C. GRCh37 (hg19) VCF-style: chr14-75505071-G-C.
Other names: c.3615C>G, p.Ser1205Arg (NM_014381.3); short protein forms S1205R.
Identifiers: ClinVar variation 651659 (VCV000651659.12), dbSNP rs1339332143, ClinGen allele CA390426978.